The following is an entry in ClinVar:

ClinVar aggregate classification (germline): Likely pathogenic (1 of 4 stars; one submission).

Conditions:
Hereditary pancreatitis (PCTT). Also called: PRSS1-Related Hereditary Pancreatitis; Hereditary chronic pancreatitis. Identifiers: Orphanet 676, MedGen C0238339, MONDO:0008185, OMIM 167800.

Submission:

Ambry Genetics
Classification: Likely pathogenic for Hereditary pancreatitis. Last evaluated: 2023-09-12. Review status: criteria provided, single submitter. Criteria: Ambry Variant Classification Scheme 2023. Collection method: clinical testing. Allele origin: germline.
Comment: The p.W43* variant (also known as c.129G>A), located in coding exon 2 of the CTRC gene, results from a G to A substitution at nucleotide position 129. This changes the amino acid from a tryptophan to a stop codon within coding exon 2. The predicted stop codon occurs in the 5&rsquo; end of theCTRC gene. Premature termination codons in the 5&rsquo; end of a gene have been reported to escape nonsense-mediated mRNAdecay and/or lead to re-initiation (Rivas et al. Science. 2015 May 8;348(6235):666-9; Lindeboom et al. Nat Genet. 2016 Oct;48(10):1112-8; Rhee et al. Sci Rep. 2017 May 10;7(1):1653). Direct evidence for this alteration is unavailable, however premature termination codons are typically deleterious in nature. This variant is considered to be rare based on population cohorts in the Genome Aggregation Database (gnomAD). Based on the majority of available evidence to date, this variant is likely to be pathogenic.

NM_007272.3(CTRC):c.129G>A (p.Trp43Ter)

Gene: CTRC (chymotrypsin C; plus strand). Cytogenetic location: 1p36.21.
Variant type: single nucleotide variant.
Coding change: c.129G>A on transcript NM_007272.3 (MANE Select); coding-DNA position 129, G replaced by A.
Protein change: p.Trp43Ter; replaces tryptophan 43 with a stop codon.
Molecular consequence: nonsense.
Genome position (GRCh38, 1-based): chr1:15,440,388, G>A. VCF-style: chr1-15440388-G-A. GRCh37 (hg19) VCF-style: chr1-15766884-G-A.
Other names: short protein forms W43*.
Identifiers: ClinVar variation 2626263 (VCV002626263.2), dbSNP rs2526289681, ClinGen allele CA338564800.